The following is an entry in ClinVar:

NM_001375462.1(LPP):c.926G>A (p.Gly309Asp)

Gene: LPP (LIM domain containing preferred translocation partner in lipoma; plus strand). Cytogenetic location: 3q28.
Variant type: single nucleotide variant.
Coding change: c.926G>A on transcript NM_001375462.1 (MANE Select); coding-DNA position 926, G replaced by A.
Protein change: p.Gly309Asp; replaces glycine 309 with aspartic acid.
Molecular consequence: missense variant. On other transcripts: non-coding transcript variant (1), intron variant (1).
Genome position (GRCh38, 1-based): chr3:188,609,657, G>A. VCF-style: chr3-188609657-G-A. GRCh37 (hg19) VCF-style: chr3-188327445-G-A.
Other names: c.926G>A, p.Gly309Asp (NM_001167671.3, NM_001375455.1, NM_001375456.1 and 28 more transcripts); c.437G>A, p.Gly146Asp (NM_001387675.1, NM_001387676.1); c.672+254G>A (NM_001167672.3); short protein forms G146D, G309D.
Identifiers: ClinVar variation 3898093 (VCV003898093.7).
Genomic context (GRCh38, chr3:188,609,657, plus strand): 5'-ATGCCCCCAACCAGGGACGCTATTATGAAGGCTACTATGCAGCAGGGCCAGGCTATGGGG[G>A]CAGAAATGACTCTGACCCTACCTATGGTCAACAAGGTCACCCAAATACCTGGAAACGGGA-3'
Protein context (NP_001362391.1, residues 299-319): GYYAAGPGYG[Gly309Asp]RNDSDPTYGQ

ClinVar aggregate classification (germline): Benign (1 of 4 stars; one submission).

gnomAD v4.1: 2,761 of 1,614,118 alleles (0.17%); highest among the groups gnomAD compares: Middle Eastern, 1.3%; 9 homozygotes.

Submission:

CeGaT Center for Human Genetics Tuebingen
Classification: Benign. Last evaluated: 2025-04-01. Review status: criteria provided, single submitter. Criteria: CeGaT Center For Human Genetics Tuebingen Variant Classification Criteria Version 2. Collection method: clinical testing. Allele origin: germline. Affected: yes. Observed: 1 variant allele.
Comment: LPP: BP4, BS1, BS2